The following is an entry in ClinVar:

NM_001378457.1(DMXL2):c.655C>T (p.Gln219Ter)

Gene: DMXL2 (Dmx like 2; minus strand). Cytogenetic location: 15q21.2.
Variant type: single nucleotide variant.
Coding change: c.655C>T on transcript NM_001378457.1 (MANE Select); coding-DNA position 655, C replaced by T.
Protein change: p.Gln219Ter; replaces glutamine 219 with a stop codon.
Molecular consequence: nonsense. On other transcripts: non-coding transcript variant (2).
Genome position (GRCh38, 1-based): chr15:51,547,321, G>A on the plus strand (C>T on the coding strand, the complement: DMXL2 is on the minus strand). VCF-style: chr15-51547321-G-A. GRCh37 (hg19) VCF-style: chr15-51839518-G-A.
Other names: c.655C>T, p.Gln219Ter (NM_001174116.3, NM_001174117.3, NM_001378458.1 and 7 more transcripts); short protein forms Q219*.
Identifiers: ClinVar variation 4766378 (VCV004766378.1).

ClinVar aggregate classification (germline): Pathogenic (1 of 4 stars; one submission).

Submission:

Labcorp Genetics (formerly Invitae), Labcorp
Classification: Pathogenic. Last evaluated: 2025-04-19. Review status: criteria provided, single submitter. Criteria: Invitae Variant Classification Sherloc (09022015). Collection method: clinical testing. Allele origin: germline.
Comment: This sequence change creates a premature translational stop signal (p.Gln219*) in the DMXL2 gene. It is expected to result in an absent or disrupted protein product. Loss-of-function variants in DMXL2 are known to be pathogenic (PMID: 30237576, 31688942). This variant is not present in population databases (gnomAD no frequency). This variant has not been reported in the literature in individuals affected with DMXL2-related conditions. Algorithms developed to predict the effect of sequence changes on RNA splicing suggest that this variant may disrupt the consensus splice site. For these reasons, this variant has been classified as Pathogenic.

Literature cited by the submitters: PubMed 30237576; PubMed 31688942.